The following is an entry in ClinVar:

NM_001081.4(CUBN):c.5148C>T (p.Phe1716=)

Gene: CUBN (cubilin; minus strand). Cytogenetic location: 10p13.
Variant type: single nucleotide variant.
Coding change: c.5148C>T on transcript NM_001081.4 (MANE Select); coding-DNA position 5148, C replaced by T.
Protein change: p.Phe1716=; no amino-acid change (phenylalanine 1716 retained).
Molecular consequence: synonymous variant.
Genome position (GRCh38, 1-based): chr10:16,948,539, G>A on the plus strand (C>T on the coding strand, the complement: CUBN is on the minus strand). VCF-style: chr10-16948539-G-A. GRCh37 (hg19) VCF-style: chr10-16990538-G-A.
Identifiers: ClinVar variation 880317 (VCV000880317.10), dbSNP rs370581324, ClinGen allele CA5424116.

ClinVar aggregate classification (germline): Benign/Likely benign. Review status: criteria provided, multiple submitters, no conflicts (2 of 4 stars). 4 submissions from 4 submitters: Benign (1); Likely benign (3). Last evaluated 2025-06-03.

Conditions:
Imerslund-Grasbeck syndrome type 1 (IGS1). Also called: Megaloblastic anemia 1, Finnish type; Imerslund-Gräsbeck syndrome 1; MEGALOBLASTIC ANEMIA, 1. Identifiers: MedGen C4016819, MONDO:0100156, OMIM 261100.
Proteinuria, chronic benign. Identifiers: MedGen C5394384, MONDO:0030042, OMIM 618884.
Imerslund-Grasbeck syndrome. Also called: ENTEROCYTE COBALAMIN MALABSORPTION; ENTEROCYTE INTRINSIC FACTOR RECEPTOR, DEFECT OF; PERNICIOUS ANEMIA, JUVENILE, DUE TO SELECTIVE INTESTINAL MALABSORPTION OF VITAMIN B12, WITH PROTEINURIA; Megaloblastic anemia due to inborn errors of metabolism; Imerslund-Gräsbeck syndrome. Identifiers: Orphanet 35858, MedGen C4551825, MONDO:0009853.

Allele frequency attached by ClinVar (database versions not stated): ESP Exome Variant Server 0.00008; gnomAD 0.00011 and 0.00014; gnomAD exomes 0.00014 and 0.00049; TOPMed 0.00016; 1000 Genomes Project 0.00020; 1000 Genomes Project 30x 0.00031; ExAC 0.00038.
gnomAD v4.1: 225 of 1,614,084 alleles (0.014%); highest among the groups gnomAD compares: East Asian, 0.3%; no homozygotes.

Submissions (4):

Labcorp Genetics (formerly Invitae), Labcorp
Classification: Benign for Imerslund-Grasbeck syndrome. Last evaluated: 2025-06-03. Review status: criteria provided, single submitter. Criteria: Invitae Variant Classification Sherloc (09022015). Collection method: clinical testing. Allele origin: germline.

Blueprint Genetics
Classification: Likely benign. Last evaluated: 2024-11-11. Review status: criteria provided, single submitter. Criteria: ACMG Guidelines, 2015. Collection method: clinical testing. Allele origin: germline.

Fulgent Genetics
Classification: Likely benign for Imerslund-Grasbeck syndrome type 1; Proteinuria, chronic benign. Last evaluated: 2022-01-10. Review status: criteria provided, single submitter. Criteria: ACMG Guidelines, 2015. Collection method: clinical testing. Allele origin: unknown.

Illumina Laboratory Services, Illumina
Classification: Likely benign for Imerslund-Grasbeck syndrome type 1. Last evaluated: 2018-01-12. Review status: criteria provided, single submitter. Criteria: ICSL Variant Classification Criteria 13 December 2019. Collection method: clinical testing. Allele origin: germline.
Comment: This variant was observed in the ICSL laboratory as part of a predisposition screen in an ostensibly healthy population. It had not been previously curated by ICSL or reported in the Human Gene Mutation Database (HGMD: prior to June 1st, 2018), and was therefore a candidate for classification through an automated scoring system. Utilizing variant allele frequency, disease prevalence and penetrance estimates, and inheritance mode, an automated score was calculated to assess if this variant is too frequent to cause the disease. Based on the score and internal cut-off values, a variant classified as likely benign is not then subjected to further curation. The score for this variant resulted in a classification of likely benign for this disease.